The following is an entry in ClinVar:

ClinVar aggregate classification (germline): Uncertain significance (1 of 4 stars; one submission).

Submission:

Labcorp Genetics (formerly Invitae), Labcorp
Classification: Uncertain significance. Last evaluated: 2023-07-16. Review status: criteria provided, single submitter. Criteria: Invitae Variant Classification Sherloc (09022015). Collection method: clinical testing. Allele origin: germline.
Comment: In summary, the available evidence is currently insufficient to determine the role of this variant in disease. Therefore, it has been classified as a Variant of Uncertain Significance. An algorithm developed to predict the effect of missense changes on protein structure and function (PolyPhen-2) suggests that this variant is likely to be disruptive. This variant has not been reported in the literature in individuals affected with SEC24D-related conditions. This variant is not present in population databases (gnomAD no frequency). This sequence change replaces proline, which is neutral and non-polar, with leucine, which is neutral and non-polar, at codon 574 of the SEC24D protein (p.Pro574Leu).

NM_014822.4(SEC24D):c.1721C>T (p.Pro574Leu)

Gene: SEC24D (SEC24 homolog D, COPII component; minus strand). Cytogenetic location: 4q26.
Variant type: single nucleotide variant.
Coding change: c.1721C>T on transcript NM_014822.4 (MANE Select); coding-DNA position 1721, C replaced by T.
Protein change: p.Pro574Leu; replaces proline 574 with leucine.
Molecular consequence: missense variant.
Genome position (GRCh38, 1-based): chr4:118,745,047, G>A on the plus strand (C>T on the coding strand, the complement: SEC24D is on the minus strand). VCF-style: chr4-118745047-G-A. GRCh37 (hg19) VCF-style: chr4-119666202-G-A.
Other names: c.1724C>T, p.Pro575Leu (NM_001318066.2); short protein forms P574L, P575L.
Identifiers: ClinVar variation 2989645 (VCV002989645.3), dbSNP rs2530087102, ClinGen allele CA358009725.